The following is an entry in ClinVar:

NM_017433.5(MYO3A):c.4681C>T (p.Arg1561Ter)

Gene: MYO3A (myosin IIIA; plus strand). Cytogenetic location: 10p12.1.
Variant type: single nucleotide variant.
Coding change: c.4681C>T on transcript NM_017433.5 (MANE Select); coding-DNA position 4681, C replaced by T.
Protein change: p.Arg1561Ter; replaces arginine 1561 with a stop codon.
Molecular consequence: nonsense.
Genome position (GRCh38, 1-based): chr10:26,203,058, C>T. VCF-style: chr10-26203058-C-T. GRCh37 (hg19) VCF-style: chr10-26491987-C-T.
Other names: short protein forms R1561*.
Identifiers: ClinVar variation 631635 (VCV000631635.22), dbSNP rs138593211, ClinGen allele CA5445544.

ClinVar aggregate classification (germline): Conflicting classifications of pathogenicity. Review status: criteria provided, conflicting classifications (1 of 4 stars). 8 submissions from 8 submitters: Pathogenic (1); Likely pathogenic (2); Uncertain significance (5). Last evaluated 2026-09-14.

Conditions:
Autosomal recessive nonsyndromic hearing loss 30. Identifiers: Orphanet 90636, MedGen C1846784, MONDO:0011774, OMIM 607101.
MYO3A-related disorder. Also called: MYO3A-related condition.

Allele frequency attached by ClinVar (database versions not stated): gnomAD exomes 0.00004 and 0.00012; ExAC 0.00014; gnomAD 0.00019 and 0.00020; TOPMed 0.00022; 1000 Genomes Project 0.00040; 1000 Genomes Project 30x 0.00047; ESP Exome Variant Server 0.00054.
gnomAD v4.1: 104 of 1,613,614 alleles (0.0064%); highest among the groups gnomAD compares: East Asian, 0.056%; no homozygotes.

Submissions (8):

PreventionGenetics, part of Exact Sciences
Classification: Uncertain significance for MYO3A-related condition. Last evaluated: 2026-09-14. Review status: criteria provided, single submitter. Criteria: ACMG Guidelines, 2015. Collection method: clinical testing. Allele origin: germline.
Comment: The MYO3A c.4681C>T variant is predicted to result in premature protein termination (p.Arg1561*). This variant was reported in an individual with sensorineural hearing loss with good cochlear implantation outcomes, although pathogenicity was not clearly established (Wu et al. 2015. PubMed ID: 26166082). This variant is reported in 0.10% of alleles in individuals of East Asian descent in gnomAD. While nonsense variants in MYO3A are expected to be pathogenic, no nonsense variants downstream of this position have been reported in the literature. At this time, the clinical significance of this variant is uncertain due to the absence of conclusive functional and genetic evidence.

GeneDx
Classification: Uncertain significance. Last evaluated: 2025-09-10. Review status: criteria provided, single submitter. Criteria: GeneDx Variant Classification Process June 2021. Collection method: clinical testing. Allele origin: germline. Affected: yes.
Comment: Observed in a patient with hearing loss in published literature (PMID: 26166082); Nonsense variant predicted to result in protein truncation as the last 56 amino acid(s) are lost; This variant is associated with the following publications: (PMID: 34426522, 26166082)

Labcorp Genetics (formerly Invitae), Labcorp
Classification: Pathogenic. Last evaluated: 2024-04-30. Review status: criteria provided, single submitter. Criteria: Invitae Variant Classification Sherloc (09022015). Collection method: clinical testing. Allele origin: germline.
Comment: This sequence change creates a premature translational stop signal (p.Arg1561*) in the MYO3A gene. It is expected to result in an absent or disrupted protein product. Loss-of-function variants in MYO3A are known to be pathogenic (PMID: 12032315, 23990876). This variant is present in population databases (rs138593211, gnomAD 0.09%). This premature translational stop signal has been observed in individual(s) with deafness (PMID: 26166082). ClinVar contains an entry for this variant (Variation ID: 631635). For these reasons, this variant has been classified as Pathogenic.

Revvity Omics, Revvity
Classification: Uncertain significance for Autosomal recessive nonsyndromic hearing loss 30. Last evaluated: 2024-02-01. Review status: criteria provided, single submitter. Criteria: ACMG Guidelines, 2015. Collection method: clinical testing. Allele origin: germline.

Blueprint Genetics
Classification: Uncertain significance. Last evaluated: 2023-10-31. Review status: criteria provided, single submitter. Criteria: ACMG Guidelines, 2015. Collection method: clinical testing. Allele origin: germline.

Department of Pathology and Laboratory Medicine, Sinai Health System
Classification: Likely pathogenic for Autosomal recessive nonsyndromic hearing loss 30. Last evaluated: 2023-05-02. Review status: criteria provided, single submitter. Criteria: ACMG Guidelines, 2015. Collection method: research. Allele origin: germline.

Johns Hopkins Genomics, Johns Hopkins University
Classification: Uncertain significance for Autosomal recessive nonsyndromic hearing loss 30. Last evaluated: 2020-05-14. Review status: criteria provided, single submitter. Criteria: ACMG Guidelines, 2015. Collection method: clinical testing. Allele origin: germline.
Comment: This nonsense variant results in a premature stop codon within the last 50 base pairs of the penultimate exon of the gene, likely leading to a transcript that escapes nonsense-mediated decay and resulting in a truncated protein product. The function of the region predicted to be missing in the truncated protein is unclear at this time. MYO3A c.4681C>T has been previously reported in an individual with hearing loss, who also carried a missense variant in this gene. This MYO3A variant (rs138593211) has been identified in a large population dataset and the minor allele frequency is neither low enough to consider the variant rare (<0.1%) nor high enough to consider it a population polymorphism (>1%) within the East Asian subpopulation (gnomAD: 20/19954 alleles; 0.1%, no homozygotes). This variant has been reported in ClinVar. Due to insufficient evidence, we consider the clinical significance of c.4681C>T to be uncertain at this time.

UNC Molecular Genetics  Laboratory, University of North Carolina at Chapel Hill
Classification: Likely pathogenic for Deafness, autosomal recessive 30. Review status: criteria provided, single submitter. Criteria: ACMG Guidelines, 2015. Collection method: research. Allele origin: germline. Affected: no. Observed: 1 variant allele. Study: NSIGHT-NC NEXUS.
Comment: The MYO3A c.4681C>T (p.R1561*) nonsense variant is predicted to result in an absent or aberrant protein. This variant has been reported in the compound heterozygous state in one individual with profound sensorineural hearing impairment (PMID: 26166082).

carrier finding

Literature cited by the submitters: PubMed 12032315 (cited by Labcorp Genetics (formerly Invitae), Labcorp); PubMed 23990876 (cited by Labcorp Genetics (formerly Invitae), Labcorp); PubMed 26166082 (cited by 3 submitters).